The following is an entry in ClinVar:

NM_001927.4(DES):c.184G>A (p.Gly62Arg)

Gene: DES (desmin; plus strand). Cytogenetic location: 2q35.
Variant type: single nucleotide variant.
Coding change: c.184G>A on transcript NM_001927.4 (MANE Select); coding-DNA position 184, G replaced by A.
Protein change: p.Gly62Arg; replaces glycine 62 with arginine.
Molecular consequence: missense variant.
Genome position (GRCh38, 1-based): chr2:219,418,646, G>A. VCF-style: chr2-219418646-G-A. GRCh37 (hg19) VCF-style: chr2-220283368-G-A.
Other names: c.184G>A (LRG_380t1); short protein forms G62R.
Identifiers: ClinVar variation 289120 (VCV000289120.17), dbSNP rs886044090, ClinGen allele CA10606335.
Genomic context (GRCh38, chr2:219,418,646, plus strand): 5'-TCTAAGGGCTCCTCCAGCTCGGTGACGTCCCGCGTGTACCAGGTGTCGCGCACGTCGGGC[G>A]GGGCCGGGGGCCTGGGGTCGCTGCGGGCCAGCCGGCTGGGGACCACCCGCACGCCCTCCT-3'
Protein context (NP_001918.3, residues 52-72): RVYQVSRTSG[Gly62Arg]AGGLGSLRAS

ClinVar aggregate classification (germline): Uncertain significance. Review status: criteria provided, multiple submitters, no conflicts (2 of 4 stars). 4 submissions from 4 submitters: Uncertain significance (4). Last evaluated 2023-11-03.

Conditions:
Cardiovascular phenotype. Identifiers: MedGen CN230736.
Desmin-related myofibrillar myopathy (MFM1). Also called: Desmin related myopathy (former name); Desmin storage myopathy (former name); Myofibrillar myopathy 1; MYOFIBRILLAR MYOPATHY WITH ARRHYTHMOGENIC RIGHT VENTRICULAR CARDIOMYOPATHY; DESMIN-RELATED MYOPATHY WITH ARRHYTHMOGENIC RIGHT VENTRICULAR CARDIOMYOPATHY; Desminopathy. Identifiers: Orphanet 363543, Orphanet 98909, MedGen C1832370, MONDO:0011076, OMIM 601419.

Allele frequency attached by ClinVar (database versions not stated): gnomAD exomes 0.00001; TOPMed 0.00001; gnomAD 0.00002 and 0.00003.
gnomAD v4.1: 18 of 1,594,940 alleles (0.0011%); highest among the groups gnomAD compares: African/African-American, 0.0027%; no homozygotes.

Submissions (4):

Labcorp Genetics (formerly Invitae), Labcorp
Classification: Uncertain significance for Desmin-related myofibrillar myopathy. Last evaluated: 2023-11-03. Review status: criteria provided, single submitter. Criteria: Invitae Variant Classification Sherloc (09022015). Collection method: clinical testing. Allele origin: germline.
Comment: This sequence change replaces glycine, which is neutral and non-polar, with arginine, which is basic and polar, at codon 62 of the DES protein (p.Gly62Arg). The frequency data for this variant in the population databases is considered unreliable, as metrics indicate poor data quality at this position in the gnomAD database. This variant has not been reported in the literature in individuals affected with DES-related conditions. ClinVar contains an entry for this variant (Variation ID: 289120). Advanced modeling of protein sequence and biophysical properties (such as structural, functional, and spatial information, amino acid conservation, physicochemical variation, residue mobility, and thermodynamic stability) performed at Invitae indicates that this missense variant is not expected to disrupt DES protein function with a negative predictive value of 80%. In summary, the available evidence is currently insufficient to determine the role of this variant in disease. Therefore, it has been classified as a Variant of Uncertain Significance.

Ambry Genetics
Classification: Uncertain significance for Cardiovascular phenotype. Last evaluated: 2022-07-11. Review status: criteria provided, single submitter. Criteria: Ambry Variant Classification Scheme 2023. Collection method: clinical testing. Allele origin: germline.
Comment: The p.G62R variant (also known as c.184G>A), located in coding exon 1 of the DES gene, results from a G to A substitution at nucleotide position 184. The glycine at codon 62 is replaced by arginine, an amino acid with dissimilar properties. This amino acid position is highly conserved in available vertebrate species. In addition, this alteration is predicted to be tolerated by in silico analysis. Since supporting evidence is limited at this time, the clinical significance of this alteration remains unclear.

GeneDx
Classification: Uncertain significance. Last evaluated: 2021-10-14. Review status: criteria provided, single submitter. Criteria: GeneDx Variant Classification Process June 2021. Collection method: clinical testing. Allele origin: germline. Affected: yes.
Comment: Has not been previously published as pathogenic or benign to our knowledge; Not observed at significant frequency in large population cohorts (Lek et al., 2016); In silico analysis supports that this missense variant does not alter protein structure/function; Reported in ClinVar as a variant of uncertain significance (ClinVar Variant ID# 289120; Landrum et al., 2016); This variant is associated with the following publications: (PMID: 26582918)

Eurofins Ntd Llc (ga)
Classification: Uncertain significance. Last evaluated: 2016-07-26. Review status: criteria provided, single submitter. Criteria: EGL Classification Definitions 2015. Collection method: clinical testing. Allele origin: germline. Observed: 1 variant allele, 1 heterozygote.